The following is an entry in ClinVar:

ClinVar aggregate classification (germline): Uncertain significance. Review status: criteria provided, multiple submitters, no conflicts (2 of 4 stars). 4 submissions from 4 submitters: Uncertain significance (4). Last evaluated 2025-10-01.

Conditions:
Autosomal recessive spinocerebellar ataxia 20. Identifiers: Orphanet 397709, MedGen C5190595, MONDO:0014601, OMIM 616354.

Allele frequency attached by ClinVar (database versions not stated): gnomAD 0.00002 and 0.00013; TOPMed 0.00002; gnomAD exomes 0.00023; ExAC 0.00029; 1000 Genomes Project 0.00060; 1000 Genomes Project 30x 0.00062.
gnomAD v4.1: 230 of 1,608,606 alleles (0.014%); highest among the groups gnomAD compares: South Asian, 0.19%; 1 homozygote.

Submissions (4):

Labcorp Genetics (formerly Invitae), Labcorp
Classification: Uncertain significance. Last evaluated: 2025-10-01. Review status: criteria provided, single submitter. Criteria: Invitae Variant Classification Sherloc (09022015). Collection method: clinical testing. Allele origin: germline.
Comment: This sequence change replaces arginine, which is basic and polar, with tryptophan, which is neutral and slightly polar, at codon 799 of the SNX14 protein (p.Arg799Trp). This variant is present in population databases (rs556044910, gnomAD 0.2%). This variant has not been reported in the literature in individuals affected with SNX14-related conditions. ClinVar contains an entry for this variant (Variation ID: 1033174). An algorithm developed to predict the effect of missense changes on protein structure and function (PolyPhen-2) suggests that this variant is likely to be disruptive. In summary, the available evidence is currently insufficient to determine the role of this variant in disease. Therefore, it has been classified as a Variant of Uncertain Significance.

Fulgent Genetics
Classification: Uncertain significance for Autosomal recessive spinocerebellar ataxia 20. Last evaluated: 2021-07-28. Review status: criteria provided, single submitter. Criteria: ACMG Guidelines, 2015. Collection method: clinical testing. Allele origin: unknown.

GeneDx
Classification: Uncertain significance. Last evaluated: 2019-10-04. Review status: criteria provided, single submitter. Criteria: GeneDx Variant Classification Process June 2021. Collection method: clinical testing. Allele origin: germline. Affected: yes.
Comment: In silico analysis, which includes protein predictors and evolutionary conservation, supports a deleterious effect; Has not been previously published as pathogenic or benign to our knowledge

Baylor Genetics
Classification: Uncertain significance for Autosomal recessive spinocerebellar ataxia 20. Last evaluated: 2018-02-16. Review status: criteria provided, single submitter. Criteria: ACMG Guidelines, 2015. Collection method: clinical testing. Allele origin: maternal. Affected: yes.
Comment: This variant was determined to be of uncertain significance according to ACMG Guidelines, 2015 [PMID:25741868].

NM_153816.6(SNX14):c.2395C>T (p.Arg799Trp)

Gene: SNX14 (sorting nexin 14; minus strand). Cytogenetic location: 6q14.3.
Variant type: single nucleotide variant.
Coding change: c.2395C>T on transcript NM_153816.6 (MANE Select); coding-DNA position 2395, C replaced by T.
Protein change: p.Arg799Trp; replaces arginine 799 with tryptophan.
Molecular consequence: missense variant. On other transcripts: non-coding transcript variant (6), intron variant (2).
Genome position (GRCh38, 1-based): chr6:85,514,232, G>A on the plus strand (C>T on the coding strand, the complement: SNX14 is on the minus strand). VCF-style: chr6-85514232-G-A. GRCh37 (hg19) VCF-style: chr6-86223950-G-A.
Other names: c.2368C>T, p.Arg790Trp (NM_001297614.3); c.2239C>T, p.Arg747Trp (NM_001304479.2); c.2458C>T, p.Arg820Trp (NM_001350532.2); c.2392C>T, p.Arg798Trp (NM_001350533.2, NM_001350535.2); c.2365C>T, p.Arg789Trp (NM_001350534.2); c.2263C>T, p.Arg755Trp (NM_001350536.2); c.2260C>T, p.Arg754Trp (NM_001350537.2); c.2251C>T, p.Arg751Trp (NM_001350538.2); and 10 more; short protein forms R651W, R699W, R703W, R746W, R754W, R449W, R747W, R755W.
Identifiers: ClinVar variation 1033174 (VCV001033174.8), dbSNP rs556044910, ClinGen allele CA3911870.